The following is an entry in ClinVar:

NM_001111125.3(IQSEC2):c.803C>T (p.Pro268Leu)

Gene: IQSEC2 (IQ motif and Sec7 domain ArfGEF 2; minus strand). Cytogenetic location: Xp11.22.
Variant type: single nucleotide variant.
Coding change: c.803C>T on transcript NM_001111125.3 (MANE Select); coding-DNA position 803, C replaced by T.
Protein change: p.Pro268Leu; replaces proline 268 with leucine.
Molecular consequence: missense variant.
Genome position (GRCh38, 1-based): chrX:53,255,996, G>A on the plus strand (C>T on the coding strand, the complement: IQSEC2 is on the minus strand). VCF-style: chrX-53255996-G-A. GRCh37 (hg19) VCF-style: chrX-53285178-G-A.
Other names: c.188C>T, p.Pro63Leu (NM_015075.2); c.803C>T, p.Pro268Leu (NM_001410736.1, NM_001441092.1); c.305C>T, p.Pro102Leu (NM_001441093.1); c.92C>T, p.Pro31Leu (NM_001441094.1, NM_001441095.1); short protein forms P102L, P268L, P31L, P63L.
Identifiers: ClinVar variation 4801026 (VCV004801026.1).
Genomic context (GRCh38, chrX:53,255,996, plus strand): 5'-ACTCCAGCAGGGGGGCCCCCCATGTGGCTGCTGGAGGGGGGCAGCTGGCTCAGCCGGTAG[G>A]GGGGTTGGCTCCCAGGACTATCAACCGCTGTGCTCAGGTCACTGCCTGGGGCATCACCCT-3'
Protein context (NP_001104595.1, residues 258-278): TAVDSPGSQP[Pro268Leu]YRLSQLPPSS

ClinVar aggregate classification (germline): Uncertain significance (1 of 4 stars; one submission).

Conditions:
Intellectual developmental disorder, X-linked 1. Also called: Atkin Flaitz Patil Smith syndrome; MENTAL RETARDATION, X-LINKED 18; MENTAL RETARDATION, X-LINKED 78; Intellectual disability, X-linked 1. Identifiers: Orphanet 777, MedGen C2931498, MONDO:0010656, OMIM 309530.

gnomAD v4.1: 1 of 1,190,155 alleles (0.000084%); highest among the groups gnomAD compares: African/African-American, 0.0017%; no homozygotes.

Submission:

Labcorp Genetics (formerly Invitae), Labcorp
Classification: Uncertain significance for Intellectual developmental disorder, X-linked 1. Last evaluated: 2025-10-07. Review status: criteria provided, single submitter. Criteria: Invitae Variant Classification Sherloc (09022015). Collection method: clinical testing. Allele origin: germline.
Comment: This sequence change replaces proline, which is neutral and non-polar, with leucine, which is neutral and non-polar, at codon 268 of the IQSEC2 protein (p.Pro268Leu). This variant is not present in population databases (gnomAD no frequency). This variant has not been reported in the literature in individuals affected with IQSEC2-related conditions. Invitae Evidence Modeling of protein sequence and biophysical properties (such as structural, functional, and spatial information, amino acid conservation, physicochemical variation, residue mobility, and thermodynamic stability) indicates that this missense variant is not expected to disrupt IQSEC2 protein function with a negative predictive value of 95%. In summary, the available evidence is currently insufficient to determine the role of this variant in disease. Therefore, it has been classified as a Variant of Uncertain Significance.